The following is an entry in ClinVar:

NM_001297.5(CNGB1):c.2635-6_2640del

Gene: CNGB1 (cyclic nucleotide gated channel subunit beta 1; minus strand). Cytogenetic location: 16q21.
Variant type: Deletion.
Coding change: c.2635-6_2640del on transcript NM_001297.5 (MANE Select); 6 bases into the intron before coding-DNA position 2635 through coding-DNA position 2640, 12 bases deleted (CCCCAGATGAGA).
Molecular consequence: splice acceptor variant.
Genome position (GRCh38, 1-based): chr16:57,903,976-57,903,987, TCTCATCTGGGG deleted on the plus strand (CCCCAGATGAGA on the coding strand, the reverse complement: CNGB1 is on the minus strand). VCF-style (leftmost placement, unchanged base first): chr16-57903975-CTCTCATCTGGGG-C. GRCh37 (hg19) VCF-style: chr16-57937879-CTCTCATCTGGGG-C.
Other names: c.2617-6_2622del (NM_001286130.2).
Identifiers: ClinVar variation 4727340 (VCV004727340.1).

ClinVar aggregate classification (germline): Likely pathogenic (1 of 4 stars; one submission).

Submission:

Labcorp Genetics (formerly Invitae), Labcorp
Classification: Likely pathogenic. Last evaluated: 2025-09-16. Review status: criteria provided, single submitter. Criteria: Invitae Variant Classification Sherloc (09022015). Collection method: clinical testing. Allele origin: germline.
Comment: This variant results in the deletion of part of exon 27 (c.2635-6_2640del) of the CNGB1 gene. It is expected to disrupt RNA splicing. Variants that disrupt the donor or acceptor splice site typically lead to a loss of protein function (PMID: 16199547), and loss-of-function variants in CNGB1 are known to be pathogenic (PMID: 15557452, 24043777). This variant is not present in population databases (gnomAD no frequency). This variant has been observed in individual(s) with retinitis pigmentosa (internal data). In summary, the currently available evidence indicates that the variant is pathogenic, but additional data are needed to prove that conclusively. Therefore, this variant has been classified as Likely Pathogenic.

Literature cited by the submitters: PubMed 16199547; PubMed 15557452; PubMed 24043777.